The following is an entry in ClinVar:

NM_031372.4(HNRNPDL):c.444-14_444-13del

Gene: HNRNPDL (heterogeneous nuclear ribonucleoprotein D like; minus strand). Cytogenetic location: 4q21.22.
Variant type: Microsatellite.
Coding change: c.444-14_444-13del on transcript NM_031372.4 (MANE Select); 14 bases into the intron before coding-DNA position 444 through 13 bases into the intron before coding-DNA position 444, 2 bases deleted (AC; older notation c.444-14_444-13delAC).
Molecular consequence: intron variant.
Genome position (GRCh38, 1-based): chr4:82,428,459-82,428,460, GT deleted on the plus strand (AC on the coding strand, the reverse complement: HNRNPDL is on the minus strand); deleting any 2 consecutive bases within chr4:82,428,459-82,428,462 gives the same sequence; the c. name uses the placement nearest the transcript's 3' end. VCF-style (leftmost placement, unchanged base first): chr4-82428458-AGT-A. GRCh37 (hg19) VCF-style: chr4-83349611-AGT-A.
Other names: c.444-14_444-13del (NM_001207000.1); c.444-14_444-13delAC (NM_031372.4).
Identifiers: ClinVar variation 2044412 (VCV002044412.5), dbSNP rs781669787, ClinGen allele CA2984961.
Genomic context (GRCh38, chr4:82,428,458, plus strand): 5'-CAGATCTTTTTTGCTTGTATCCCAGCTCAAGCCTCCAATAAACATTTTACTAGAAATAAA[AGT>A]GTTTTTAAAAAAAATTAACAATAACTCAAATGATCCTTCAGTTCTGGAATTAAATCGTGA-3'

ClinVar aggregate classification (germline): Likely benign. Review status: criteria provided, multiple submitters, no conflicts (2 of 4 stars). 2 submissions from 2 submitters: Likely benign (2). Last evaluated 2026-02-24.

Conditions:
Autosomal dominant limb-girdle muscular dystrophy type 1G (LGMDD3). Also called: Limb-girdle muscular dystrophy, type 1G; MUSCULAR DYSTROPHY, LIMB-GIRDLE, AUTOSOMAL DOMINANT 3. Identifiers: Orphanet 55596, MedGen C1836765, MONDO:0012193, OMIM 609115.

Submissions (2):

Women's Health and Genetics/Laboratory Corporation of America, LabCorp
Classification: Likely benign. Last evaluated: 2026-02-24. Review status: criteria provided, single submitter. Criteria: LabCorp Variant Classification Summary - May 2015. Collection method: clinical testing. Allele origin: germline.
Comment: Variant summary: HNRNPDL c.444-14_444-13delAC alters a nucleotide located at a position not widely known to affect splicing. Consensus agreement among computation tools predict no significant impact on normal splicing. However, these predictions have yet to be confirmed by functional studies. The variant allele was found at a frequency of 0.00011 in 229268 control chromosomes. This frequency is not significantly higher than estimated for disease-causing variants in HNRNPDL, allowing no conclusion about variant significance. To our knowledge, no occurrence of c.444-14_444-13delAC in individuals affected with HNRNPDL-related conditions and no experimental evidence demonstrating its impact on protein function have been reported. ClinVar contains an entry for this variant (Variation ID: 2044412). Based on the evidence outlined above, the variant was classified as likely benign.

Labcorp Genetics (formerly Invitae), Labcorp
Classification: Likely benign for Autosomal dominant limb-girdle muscular dystrophy type 1G. Last evaluated: 2025-10-26. Review status: criteria provided, single submitter. Criteria: Invitae Variant Classification Sherloc (09022015). Collection method: clinical testing. Allele origin: germline.